The following is an entry in ClinVar:

ClinVar aggregate classification (germline): Uncertain significance (1 of 4 stars; one submission).

Conditions:
Inborn genetic diseases. Identifiers: MedGen C0950123, MeSH D030342.

Submission:

Ambry Genetics
Classification: Uncertain significance for Inborn genetic diseases. Last evaluated: 2021-06-29. Review status: criteria provided, single submitter. Criteria: Ambry Variant Classification Scheme 2023. Collection method: clinical testing. Allele origin: germline.
Comment: The p.D1549E variant (also known as c.4647C>A), located in coding exon 32 of the LRRK2 gene, results from a C to A substitution at nucleotide position 4647. The aspartic acid at codon 1549 is replaced by glutamic acid, an amino acid with highly similar properties. This amino acid position is conserved. In addition, this alteration is predicted to be tolerated by in silico analysis. Since supporting evidence is limited at this time, the clinical significance of this alteration remains unclear.

NM_198578.4(LRRK2):c.4647C>A (p.Asp1549Glu)

Gene: LRRK2 (leucine rich repeat kinase 2; plus strand). Cytogenetic location: 12q12.
Variant type: single nucleotide variant.
Coding change: c.4647C>A on transcript NM_198578.4 (MANE Select); coding-DNA position 4647, C replaced by A.
Protein change: p.Asp1549Glu; replaces aspartic acid 1549 with glutamic acid.
Molecular consequence: missense variant.
Genome position (GRCh38, 1-based): chr12:40,314,082, C>A. VCF-style: chr12-40314082-C-A. GRCh37 (hg19) VCF-style: chr12-40707884-C-A.
Other names: short protein forms D1549E.
Identifiers: ClinVar variation 1742158 (VCV001742158.2), dbSNP rs1945126617, ClinGen allele CA384418970.